The following is an entry in ClinVar:

ClinVar aggregate classification (germline): Uncertain significance (1 of 4 stars; one submission).

Submission:

Labcorp Genetics (formerly Invitae), Labcorp
Classification: Uncertain significance. Last evaluated: 2021-01-19. Review status: criteria provided, single submitter. Criteria: Invitae Variant Classification Sherloc (09022015). Collection method: clinical testing. Allele origin: germline.
Comment: In summary, the available evidence is currently insufficient to determine the role of this variant in disease. Therefore, it has been classified as a Variant of Uncertain Significance. This variant has not been reported in the literature in individuals with MAPKAPK3-related conditions. This variant is not present in population databases (ExAC no frequency). This sequence change creates a premature translational stop signal (p.Tyr104*) in the MAPKAPK3 gene. It is expected to result in an absent or disrupted protein product. However, the current clinical and genetic evidence is not sufficient to establish whether loss-of-function variants in MAPKAPK3 cause disease.

NM_001243925.2(MAPKAPK3):c.312T>A (p.Tyr104Ter)

Gene: MAPKAPK3 (MAPK activated protein kinase 3; plus strand). Cytogenetic location: 3p21.2.
Variant type: single nucleotide variant.
Coding change: c.312T>A on transcript NM_001243925.2 (MANE Select); coding-DNA position 312, T replaced by A.
Protein change: p.Tyr104Ter; replaces tyrosine 104 with a stop codon.
Molecular consequence: nonsense.
Genome position (GRCh38, 1-based): chr3:50,640,458, T>A. VCF-style: chr3-50640458-T-A. GRCh37 (hg19) VCF-style: chr3-50677889-T-A.
Other names: c.312T>A, p.Tyr104Ter (NM_001243926.2, NM_004635.5); short protein forms Y104*.
Identifiers: ClinVar variation 1488822 (VCV001488822.6), dbSNP rs2107596227, ClinGen allele CA352926010.